The following is an entry in ClinVar:

NM_018406.7(MUC4):c.10029C>G (p.Thr3343=)

Gene: MUC4 (mucin 4, cell surface associated). Cytogenetic location: 3q29.
Variant type: single nucleotide variant.
Coding change: c.10029C>G on transcript NM_018406.7 (MANE Select); coding-DNA position 10029, C replaced by G.
Protein change: p.Thr3343=; no amino-acid change (threonine 3343 retained).
Molecular consequence: synonymous variant. On other transcripts: intron variant (2).
Genome position (GRCh38, 1-based): chr3:195,781,551, G>C on the plus strand (C>G on the coding strand, the complement: MUC4 is on the minus strand). VCF-style: chr3-195781551-G-C. GRCh37 (hg19) VCF-style: chr3-195508422-G-C.
Other names: c.83-7246C>G (NM_138297.5); c.83-3096C>G (NM_004532.6).
Identifiers: ClinVar variation 4534037 (VCV004534037.6).

ClinVar aggregate classification (germline): Likely benign (1 of 4 stars; one submission).

Submission:

CeGaT Center for Human Genetics Tuebingen
Classification: Likely benign. Last evaluated: 2025-11-01. Review status: criteria provided, single submitter. Criteria: CeGaT Center For Human Genetics Tuebingen Variant Classification Criteria Version 2. Collection method: clinical testing. Allele origin: germline. Affected: yes. Observed: 1 variant allele.
Comment: MUC4: BP4, BP7